The following is an entry in ClinVar:

NM_000138.5(FBN1):c.8501C>T (p.Thr2834Ile)

Gene: FBN1 (fibrillin 1; minus strand). Cytogenetic location: 15q21.1.
Variant type: single nucleotide variant.
Coding change: c.8501C>T on transcript NM_000138.5 (MANE Select); coding-DNA position 8501, C replaced by T.
Protein change: p.Thr2834Ile; replaces threonine 2834 with isoleucine.
Molecular consequence: missense variant.
Genome position (GRCh38, 1-based): chr15:48,411,105, G>A on the plus strand (C>T on the coding strand, the complement: FBN1 is on the minus strand). VCF-style: chr15-48411105-G-A. GRCh37 (hg19) VCF-style: chr15-48703302-G-A.
Other names: short protein forms T2834I.
Identifiers: ClinVar variation 927102 (VCV000927102.5), dbSNP rs2042857660, ClinGen allele CA392318784.

ClinVar aggregate classification (germline): Uncertain significance. Review status: criteria provided, multiple submitters, no conflicts (2 of 4 stars). 2 submissions from 2 submitters: Uncertain significance (2). Last evaluated 2024-05-10.

Conditions:
Familial thoracic aortic aneurysm and aortic dissection (TAAD). Also called: Thoracic aortic aneurysms and dissections. Identifiers: Orphanet 91387, MedGen C4707243, MONDO:0019625.
Marfan syndrome (MFS). Also called: Marfan syndrome, classic; Marfan syndrome type 1; Marfan's syndrome; FBN1-Related Marfan Syndrome; MARFAN SYNDROME, TYPE I. Identifiers: Orphanet 284963, Orphanet 558, MedGen C0024796, MONDO:0007947, OMIM 154700.

Allele frequency attached by ClinVar (database versions not stated): gnomAD exomes below 0.00001.
gnomAD v4.1: 1 of 1,614,080 alleles (0.000062%); highest among the groups gnomAD compares: Non-Finnish European, 0.000085%; no homozygotes.

Submissions (2):

Labcorp Genetics (formerly Invitae), Labcorp
Classification: Uncertain significance for Marfan syndrome; Familial thoracic aortic aneurysm and aortic dissection. Last evaluated: 2024-05-10. Review status: criteria provided, single submitter. Criteria: Invitae Variant Classification Sherloc (09022015). Collection method: clinical testing. Allele origin: germline.
Comment: This sequence change replaces threonine, which is neutral and polar, with isoleucine, which is neutral and non-polar, at codon 2834 of the FBN1 protein (p.Thr2834Ile). This variant is not present in population databases (gnomAD no frequency). This variant has not been reported in the literature in individuals affected with FBN1-related conditions. ClinVar contains an entry for this variant (Variation ID: 927102). Advanced modeling of protein sequence and biophysical properties (such as structural, functional, and spatial information, amino acid conservation, physicochemical variation, residue mobility, and thermodynamic stability) performed at Invitae indicates that this missense variant is not expected to disrupt FBN1 protein function with a negative predictive value of 95%. In summary, the available evidence is currently insufficient to determine the role of this variant in disease. Therefore, it has been classified as a Variant of Uncertain Significance.

Color Diagnostics, LLC DBA Color Health
Classification: Uncertain significance for Familial thoracic aortic aneurysm and aortic dissection. Last evaluated: 2020-02-10. Review status: criteria provided, single submitter. Criteria: ACMG Guidelines, 2015. Collection method: clinical testing. Allele origin: germline.
Comment: This missense variant replaces threonine with isoleucine at codon 2834 of the FBN1 protein. Computational prediction suggests that this variant may not impact protein structure and function (internally defined REVEL score threshold <= 0.5, PMID: 27666373). Splice site prediction tools suggest that this variant may not impact RNA splicing. To our knowledge, functional studies have not been performed for this variant. This variant has not been reported in individuals affected with cardiovascular disorders in the literature. This variant has not been identified in the general population by the Genome Aggregation Database (gnomAD). The available evidence is insufficient to determine the role of this variant in disease conclusively. Therefore, this variant is classified as a Variant of Uncertain Significance.